The following is an entry in ClinVar:

NM_000702.4(ATP1A2):c.1216+5T>C

Gene: ATP1A2 (ATPase Na+/K+ transporting subunit alpha 2; plus strand). Cytogenetic location: 1q23.2.
Variant type: single nucleotide variant.
Coding change: c.1216+5T>C on transcript NM_000702.4 (MANE Select); 5 bases into the intron after coding-DNA position 1216, T replaced by C.
Molecular consequence: intron variant.
Genome position (GRCh38, 1-based): chr1:160,128,855, T>C. VCF-style: chr1-160128855-T-C. GRCh37 (hg19) VCF-style: chr1-160098645-T-C.
Identifiers: ClinVar variation 460296 (VCV000460296.10), dbSNP rs780155641, ClinGen allele CA1194385.

ClinVar aggregate classification (germline): Conflicting classifications of pathogenicity. Review status: criteria provided, conflicting classifications (1 of 4 stars). 3 submissions from 3 submitters: Uncertain significance (2); Benign (1). Last evaluated 2026-02-03.

Conditions:
Familial hemiplegic migraine. Identifiers: MedGen C0338484, MONDO:0000700.

Allele frequency attached by ClinVar (database versions not stated): TOPMed 0.00003.
gnomAD v4.1: 37 of 1,613,708 alleles (0.0023%); highest among the groups gnomAD compares: Non-Finnish European, 0.0031%; no homozygotes.

Submissions (3):

Women's Health and Genetics/Laboratory Corporation of America, LabCorp
Classification: Uncertain significance. Last evaluated: 2026-02-03. Review status: criteria provided, single submitter. Criteria: LabCorp Variant Classification Summary - May 2015. Collection method: clinical testing. Allele origin: germline.
Comment: Variant summary: ATP1A2 c.1216+5T>C alters a nucleotide located close to a canonical splice site and therefore could affect mRNA splicing, leading to a significantly altered protein sequence. Consensus agreement among computation tools predict no significant impact on normal splicing. However, these predictions have yet to be confirmed by functional studies. The variant allele was found at a frequency of 2.4e-05 in 251322 control chromosomes. The available data on variant occurrences in the general population are insufficient to allow any conclusion about variant significance. To our knowledge, no occurrence of c.1216+5T>C in individuals affected with ATP1A2-related conditions and no experimental evidence demonstrating its impact on protein function have been reported. ClinVar contains an entry for this variant (Variation ID: 460296). Based on the evidence outlined above, the variant was classified as uncertain significance.

Labcorp Genetics (formerly Invitae), Labcorp
Classification: Uncertain significance for Familial hemiplegic migraine. Last evaluated: 2025-12-16. Review status: criteria provided, single submitter. Criteria: Invitae Variant Classification Sherloc (09022015). Collection method: clinical testing. Allele origin: germline.
Comment: This sequence change falls in intron 9 of the ATP1A2 gene. It does not directly change the encoded amino acid sequence of the ATP1A2 protein. It affects a nucleotide within the consensus splice site. This variant is present in population databases (rs780155641, gnomAD 0.005%). This variant has not been reported in the literature in individuals affected with ATP1A2-related conditions. ClinVar contains an entry for this variant (Variation ID: 460296). Variants that disrupt the consensus splice site are a relatively common cause of aberrant splicing (PMID: 17576681, 9536098). Algorithms developed to predict the effect of sequence changes on RNA splicing suggest that this variant is not likely to affect RNA splicing. In summary, the available evidence is currently insufficient to determine the role of this variant in disease. Therefore, it has been classified as a Variant of Uncertain Significance.

GeneDx
Classification: Benign. Last evaluated: 2015-09-15. Review status: criteria provided, single submitter. Criteria: GeneDx Variant Classification Process June 2021. Collection method: clinical testing. Allele origin: germline. Affected: yes.

Literature cited by the submitters: PubMed 17576681 (cited by Labcorp Genetics (formerly Invitae), Labcorp); PubMed 9536098 (cited by Labcorp Genetics (formerly Invitae), Labcorp).